The following is an entry in ClinVar:

ClinVar aggregate classification (germline): Pathogenic (1 of 4 stars; one submission).

Submission:

Labcorp Genetics (formerly Invitae), Labcorp
Classification: Pathogenic. Last evaluated: 2025-01-15. Review status: criteria provided, single submitter. Criteria: Invitae Variant Classification Sherloc (09022015). Collection method: clinical testing. Allele origin: germline.
Comment: This sequence change affects the initiator methionine of the GTPBP3 mRNA. The next in-frame methionine is located at codon 367. This variant is not present in population databases (gnomAD no frequency). This variant has not been reported in the literature in individuals affected with GTPBP3-related conditions. This variant disrupts a region of the GTPBP3 protein in which other variant(s) (p.Gln262Pro) have been determined to be pathogenic (PMID: 34276756, 36980825). This suggests that this is a clinically significant region of the protein, and that variants that disrupt it are likely to be disease-causing. For these reasons, this variant has been classified as Pathogenic.

Literature cited by the submitters: PubMed 34276756; PubMed 36980825.

NM_032620.4(GTPBP3):c.2T>C (p.Met1Thr)

Gene: GTPBP3 (GTP binding protein 3, mitochondrial; plus strand). Cytogenetic location: 19p13.11.
Variant type: single nucleotide variant.
Coding change: c.2T>C on transcript NM_032620.4 (MANE Select); coding-DNA position 2, T replaced by C.
Protein change: p.Met1Thr; changes the start codon (methionine 1).
Molecular consequence: missense variant, initiator codon variant. On other transcripts: intron variant (1).
Genome position (GRCh38, 1-based): chr19:17,337,613, T>C. VCF-style: chr19-17337613-T-C. GRCh37 (hg19) VCF-style: chr19-17448422-T-C.
Other names: c.2T>C, p.Met1Thr (NM_001128855.3, NM_133644.4); c.120-395T>C (NM_001195422.1); short protein forms M1T.
Identifiers: ClinVar variation 3685514 (VCV003685514.2).